The following is an entry in ClinVar:

NM_001613.4(ACTA2):c.941G>A (p.Arg314Gln)

Genes: ACTA2 (actin alpha 2, smooth muscle; minus strand), ACTA2-AS1 (ACTA2 antisense RNA 1; plus strand). Cytogenetic location: 10q23.31.
Variant type: single nucleotide variant.
Coding change: c.941G>A on transcript NM_001613.4 (MANE Select); coding-DNA position 941, G replaced by A.
Protein change: p.Arg314Gln; replaces arginine 314 with glutamine.
Molecular consequence: missense variant.
Genome position (GRCh38, 1-based): chr10:88,938,110, C>T on the plus strand (G>A on the coding strand, the complement: ACTA2 is on the minus strand). VCF-style: chr10-88938110-C-T. GRCh37 (hg19) VCF-style: chr10-90697867-C-T.
Other names: c.941G>A, p.Arg314Gln (NM_001141945.3, NM_001320855.2, NM_001406462.1 and 2 more transcripts); c.830G>A, p.Arg277Gln (NM_001406466.1); c.812G>A, p.Arg271Gln (NM_001406467.1, NM_001406468.1, NM_001406469.1); c.749G>A, p.Arg250Gln (NM_001406471.1); short protein forms R314Q, R250Q, R271Q, R277Q.
Identifiers: ClinVar variation 577891 (VCV000577891.13), dbSNP rs1415888089, ClinGen allele CA377510749.

ClinVar aggregate classification (germline): Conflicting classifications of pathogenicity. Review status: criteria provided, conflicting classifications (1 of 4 stars). 3 submissions from 3 submitters: Pathogenic (1); Likely pathogenic (1); Uncertain significance (1). Last evaluated 2025-07-23.

Conditions:
Familial thoracic aortic aneurysm and aortic dissection (TAAD). Also called: Thoracic aortic aneurysms and dissections. Identifiers: Orphanet 91387, MedGen C4707243, MONDO:0019625.
Aortic aneurysm, familial thoracic 6 (AAT6). Also called: FAMILIAL THORACIC AORTIC ANEURYSM WITH LIVEDO RETICULARIS AND IRIS FLOCCULI. Identifiers: MedGen C2673186, MONDO:0012730, OMIM 611788.

Allele frequency attached by ClinVar (database versions not stated): TOPMed below 0.00001; gnomAD exomes below 0.00001.
gnomAD v4.1: 1 of 1,613,986 alleles (0.000062%); highest among the groups gnomAD compares: Non-Finnish European, 0.000085%; no homozygotes.

Submissions (3):

Labcorp Genetics (formerly Invitae), Labcorp
Classification: Pathogenic for Aortic aneurysm, familial thoracic 6. Last evaluated: 2025-07-23. Review status: criteria provided, single submitter. Criteria: Invitae Variant Classification Sherloc (09022015). Collection method: clinical testing. Allele origin: germline.
Comment: This sequence change replaces arginine, which is basic and polar, with glutamine, which is neutral and polar, at codon 314 of the ACTA2 protein (p.Arg314Gln). This variant is not present in population databases (gnomAD no frequency). This missense change has been observed in individuals with thoracic aortic aneurysm and dissection (PMID: 36517271; internal data). ClinVar contains an entry for this variant (Variation ID: 577891). Invitae Evidence Modeling of protein sequence and biophysical properties (such as structural, functional, and spatial information, amino acid conservation, physicochemical variation, residue mobility, and thermodynamic stability) indicates that this missense variant is expected to disrupt ACTA2 protein function with a positive predictive value of 80%. For these reasons, this variant has been classified as Pathogenic.

Dasa
Classification: Uncertain significance. Last evaluated: 2025-05-21. Review status: criteria provided, single submitter. Criteria: DASA Assertion Criteria. Collection method: clinical testing. Allele origin: germline.
Comment: NM_001613.4(ACTA2):c.941G>A (p.Arg314Gln) is a missense variant that results in the substitution of arginine with glutamine. This variant is rare in population databases. Computational prediction algorithms are consistent with a deleterious effect. The currently available literature and clinical evidence are not sufficient to establish a definitive association between this variant and the reported condition. Therefore, this variant is classified as a variant of uncertain significance.

Centre of Medical Genetics, University of Antwerp
Classification: Likely pathogenic for Familial thoracic aortic aneurysm and aortic dissection. Last evaluated: 2024-09-06. Review status: criteria provided, single submitter. Criteria: ACMG Guidelines, 2015. Collection method: clinical testing. Allele origin: germline. Affected: yes.
Comment: LP(PM2; PP2-3)

Literature cited by the submitters: PubMed 36517271 (cited by Labcorp Genetics (formerly Invitae), Labcorp).